The following is an entry in ClinVar:

ClinVar aggregate classification (germline): Uncertain significance (1 of 4 stars; one submission).

Conditions:
Hereditary cancer-predisposing syndrome. Also called: Tumor predisposition; Hereditary neoplastic syndrome; Neoplastic Syndromes, Hereditary; Hereditary Cancer Syndrome. Identifiers: Orphanet 140162, MedGen C0027672, MeSH D009386, MONDO:0015356.

Allele frequency attached by ClinVar (database versions not stated): gnomAD exomes below 0.00001; ExAC 0.00001.
gnomAD v4.1: 1 of 1,614,142 alleles (0.000062%); highest among the groups gnomAD compares: Non-Finnish European, 0.000085%; no homozygotes.

Submission:

Ambry Genetics
Classification: Uncertain significance for Hereditary cancer-predisposing syndrome. Last evaluated: 2025-07-15. Review status: criteria provided, single submitter. Criteria: Ambry Variant Classification Scheme 2023. Collection method: clinical testing. Allele origin: germline.
Comment: The p.K42N variant (also known as c.126G>C), located in coding exon 1 of the RAD50 gene, results from a G to C substitution at nucleotide position 126. The lysine at codon 42 is replaced by asparagine, an amino acid with similar properties. This amino acid position is highly conserved in available vertebrate species. In addition, this alteration is predicted to be deleterious by in silico analysis. Since supporting evidence is limited at this time, the clinical significance of this alteration remains unclear.

NM_005732.4(RAD50):c.126G>C (p.Lys42Asn)

Gene: RAD50 (RAD50 double strand break repair protein; plus strand). Cytogenetic location: 5q31.1.
Variant type: single nucleotide variant.
Coding change: c.126G>C on transcript NM_005732.4 (MANE Select); coding-DNA position 126, G replaced by C.
Protein change: p.Lys42Asn; replaces lysine 42 with asparagine.
Molecular consequence: missense variant.
Genome position (GRCh38, 1-based): chr5:132,557,450, G>C. VCF-style: chr5-132557450-G-C. GRCh37 (hg19) VCF-style: chr5-131893142-G-C.
Other names: short protein forms K42N.
Identifiers: ClinVar variation 818763 (VCV000818763.5), dbSNP rs754823399, ClinGen allele CA3404891.